The following is an entry in ClinVar:

ClinVar aggregate classification (germline): Uncertain significance (1 of 4 stars; one submission).

gnomAD v4.1: 4 of 1,377,076 alleles (0.00029%); highest among the groups gnomAD compares: Non-Finnish European, 0.00038%; no homozygotes.

Submission:

Labcorp Genetics (formerly Invitae), Labcorp
Classification: Uncertain significance. Last evaluated: 2020-10-01. Review status: criteria provided, single submitter. Criteria: Invitae Variant Classification Sherloc (09022015). Collection method: clinical testing. Allele origin: germline.
Comment: This sequence change replaces arginine with serine at codon 281 of the HMX1 protein (p.Arg281Ser). The arginine residue is moderately conserved and there is a moderate physicochemical difference between arginine and serine. The frequency data for this variant in the population databases is considered unreliable, as metrics indicate insufficient coverage at this position in the ExAC database. Algorithms developed to predict the effect of missense changes on protein structure and function are either unavailable or do not agree on the potential impact of this missense change (SIFT: "Tolerated"; PolyPhen-2: "Possibly Damaging"; Align-GVGD: "Class C0"). This variant has not been reported in the literature in individuals with HMX1-related conditions. Algorithms developed to predict the effect of sequence changes on RNA splicing suggest that this variant may create or strengthen a splice site, but this prediction has not been confirmed by published transcriptional studies. In summary, the available evidence is currently insufficient to determine the role of this variant in disease. Therefore, it has been classified as a Variant of Uncertain Significance.

NM_018942.3(HMX1):c.841C>A (p.Arg281Ser)

Gene: HMX1 (H6 family homeobox 1; minus strand). Cytogenetic location: 4p16.1.
Variant type: single nucleotide variant.
Coding change: c.841C>A on transcript NM_018942.3 (MANE Select); coding-DNA position 841, C replaced by A.
Protein change: p.Arg281Ser; replaces arginine 281 with serine.
Molecular consequence: missense variant. On other transcripts: intron variant (1).
Genome position (GRCh38, 1-based): chr4:8,867,899, G>T on the plus strand (C>A on the coding strand, the complement: HMX1 is on the minus strand). VCF-style: chr4-8867899-G-T. GRCh37 (hg19) VCF-style: chr4-8869625-G-T.
Other names: c.394+3322C>A (NM_001306142.2); short protein forms R281S.
Identifiers: ClinVar variation 1037842 (VCV001037842.8), dbSNP rs1722065243, ClinGen allele CA356277699.